The following is an entry in ClinVar:

ClinVar aggregate classification (germline): Conflicting classifications of pathogenicity. Review status: criteria provided, conflicting classifications (1 of 4 stars). 2 submissions from 2 submitters: Uncertain significance (1); Likely benign (1). Last evaluated 2025-02-16.

Allele frequency attached by ClinVar (database versions not stated): TOPMed below 0.00001; gnomAD 0.00001; gnomAD exomes 0.00001.
gnomAD v4.1: 21 of 1,611,168 alleles (0.0013%); highest among the groups gnomAD compares: Non-Finnish European, 0.0018%; no homozygotes.

Submissions (2):

Laboratory of Genetics, Children's Clinical University Hospital Latvia
Classification: Likely benign. Last evaluated: 2025-02-16. Review status: criteria provided, single submitter. Criteria: ACMG Guidelines, 2015. Collection method: clinical testing. Allele origin: germline. Affected: yes.

Labcorp Genetics (formerly Invitae), Labcorp
Classification: Uncertain significance. Last evaluated: 2022-10-25. Review status: criteria provided, single submitter. Criteria: Invitae Variant Classification Sherloc (09022015). Collection method: clinical testing. Allele origin: germline.
Comment: This variant has not been reported in the literature in individuals affected with PPP1R12A-related conditions. Algorithms developed to predict the effect of missense changes on protein structure and function (SIFT, PolyPhen-2, Align-GVGD) all suggest that this variant is likely to be tolerated. This sequence change replaces alanine, which is neutral and non-polar, with valine, which is neutral and non-polar, at codon 809 of the PPP1R12A protein (p.Ala809Val). This variant is present in population databases (no rsID available, gnomAD 0.004%). In summary, the available evidence is currently insufficient to determine the role of this variant in disease. Therefore, it has been classified as a Variant of Uncertain Significance.

NM_002480.3(PPP1R12A):c.2426C>T (p.Ala809Val)

Gene: PPP1R12A (protein phosphatase 1 regulatory subunit 12A; minus strand). Cytogenetic location: 12q21.2.
Variant type: single nucleotide variant.
Coding change: c.2426C>T on transcript NM_002480.3 (MANE Select); coding-DNA position 2426, C replaced by T.
Protein change: p.Ala809Val; replaces alanine 809 with valine.
Molecular consequence: missense variant.
Genome position (GRCh38, 1-based): chr12:79,796,817, G>A on the plus strand (C>T on the coding strand, the complement: PPP1R12A is on the minus strand). VCF-style: chr12-79796817-G-A. GRCh37 (hg19) VCF-style: chr12-80190597-G-A.
Other names: c.2426C>T, p.Ala809Val (NM_001143885.2, NM_001244990.2); c.2165C>T, p.Ala722Val (NM_001143886.2); c.2258C>T, p.Ala753Val (NM_001244992.1); short protein forms A722V, A753V, A809V.
Identifiers: ClinVar variation 1976082 (VCV001976082.6), dbSNP rs931606172, ClinGen allele CA240151950.